The following is an entry in ClinVar:

ClinVar aggregate classification (germline): Conflicting classifications of pathogenicity. Review status: criteria provided, conflicting classifications (1 of 4 stars). 10 submissions from 10 submitters: Uncertain significance (1); Benign (4); Likely benign (4). 1 of the submissions does not count toward it. Last evaluated 2026-05-28.

Conditions:
SACS-related disorder. Also called: SACS-related condition.
Spastic paraplegia. Identifiers: MedGen C0037772, HP:0001258.
Hereditary spastic paraplegia. Also called: Familial spastic paraparesis. Identifiers: Orphanet 685, MedGen C0037773, MONDO:0019064. Disease mechanism: loss of function.
Charlevoix-Saguenay spastic ataxia (SACS). Also called: AUTOSOMAL RECESSIVE SPASTIC ATAXIA OF CHARLEVOIX-SAGUENAY; Spastic ataxia of Charlevoix-Saguenay; SPASTIC ATAXIA 6, AUTOSOMAL RECESSIVE. Identifiers: Orphanet 98, MedGen C1849140, MONDO:0010041, OMIM 270550.

Allele frequency attached by ClinVar (database versions not stated): gnomAD exomes 0.00071 and 0.00196; ExAC 0.00218; gnomAD 0.00744 and 0.00804; ESP Exome Variant Server 0.00769; TOPMed 0.00793; 1000 Genomes Project 0.00819; 1000 Genomes Project 30x 0.00828.
gnomAD v4.1: 2,220 of 1,613,886 alleles (0.14%); highest among the groups gnomAD compares: African/African-American, 2.6%; 24 homozygotes.

Submissions (10):

PreventionGenetics, part of Exact Sciences
Classification: Benign for SACS-related condition. Last evaluated: 2026-05-28. Review status: criteria provided, single submitter. Criteria: ACMG Guidelines, 2015. Collection method: clinical testing. Allele origin: germline.
Comment: This variant is classified as benign based on ACMG/AMP sequence variant interpretation guidelines (Richards et al. 2015 PMID: 25741868, with internal and published modifications).

Labcorp Genetics (formerly Invitae), Labcorp
Classification: Benign for Spastic paraplegia. Last evaluated: 2026-01-31. Review status: criteria provided, single submitter. Criteria: Invitae Variant Classification Sherloc (09022015). Collection method: clinical testing. Allele origin: germline.

Mayo Clinic Laboratories, Mayo Clinic
Classification: Benign. Last evaluated: 2023-06-05. Review status: criteria provided, single submitter. Criteria: ACMG Guidelines, 2015. Collection method: clinical testing. Allele origin: germline. Observed: 18 variant alleles.
Comment: BS1, BS2

Genome-Nilou Lab
Classification: Likely benign for Charlevoix-Saguenay spastic ataxia. Last evaluated: 2021-09-05. Review status: criteria provided, single submitter. Criteria: ACMG Guidelines, 2015. Collection method: clinical testing. Allele origin: germline. Affected: no.

GeneDx
Classification: Likely benign. Last evaluated: 2020-08-19. Review status: criteria provided, single submitter. Criteria: GeneDx Variant Classification Process June 2021. Collection method: clinical testing. Allele origin: germline. Affected: yes.

Illumina Laboratory Services, Illumina
Classification: Uncertain significance for Charlevoix-Saguenay spastic ataxia. Last evaluated: 2018-01-13. Review status: criteria provided, single submitter. Criteria: ICSL Variant Classification Criteria 13 December 2019. Collection method: clinical testing. Allele origin: germline.

Athena Diagnostics
Classification: Benign. Last evaluated: 2017-06-16. Review status: criteria provided, single submitter. Criteria: Athena Diagnostics Criteria. Collection method: clinical testing. Allele origin: germline.

Genome Diagnostics Laboratory, The Hospital for Sick Children
Classification: Likely benign for Hereditary spastic paraplegia. Last evaluated: 2016-12-12. Review status: criteria provided, single submitter. Criteria: ACMG Guidelines, 2015. Collection method: clinical testing. Allele origin: germline. Affected: yes.

Center for Pediatric Genomic Medicine, Children's Mercy Hospital and Clinics
Classification: Likely benign. Last evaluated: 2015-05-21. Review status: criteria provided, single submitter. Criteria: ACMG Guidelines, 2015. Collection method: clinical testing. Allele origin: germline.
ClinVar note: Converted during submission from Likely Benign to Likely benign.

Natera, Inc.
Classification: Benign for Charlevoix-Saguenay type spastic ataxia. Last evaluated: 2019-10-18. Review status: no assertion criteria provided. Collection method: clinical testing. Allele origin: germline. Not counted in ClinVar's aggregate classification.

Literature cited by the submitters: PubMed 23280630 (cited by Athena Diagnostics).

NM_014363.6(SACS):c.12649A>G (p.Asn4217Asp)

Gene: SACS (sacsin molecular chaperone; minus strand). Cytogenetic location: 13q12.12.
Variant type: single nucleotide variant.
Coding change: c.12649A>G on transcript NM_014363.6 (MANE Select); coding-DNA position 12649, A replaced by G.
Protein change: p.Asn4217Asp; replaces asparagine 4217 with aspartic acid.
Molecular consequence: missense variant.
Genome position (GRCh38, 1-based): chr13:23,331,227, T>C on the plus strand (A>G on the coding strand, the complement: SACS is on the minus strand). VCF-style: chr13-23331227-T-C. GRCh37 (hg19) VCF-style: chr13-23905366-T-C.
Other names: c.12208A>G, p.Asn4070Asp (NM_001278055.2); short protein forms N4217D, N4070D.
Identifiers: ClinVar variation 235607 (VCV000235607.32), dbSNP rs35799469, ClinGen allele CA6910119.
Genomic context (GRCh38, chr13:23,331,227, plus strand): 5'-CTATTTTATATTCACTATAACCAATATCTATCTGATATATCTTTCCTAGAAAACTAGAAT[T>C]GTCAGCATCTTCTCTTTCAACTTCTTGTACAATAATTGCATATGTGTATGTTGGCTGGTA-3'
Protein context (NP_055178.3, residues 4207-4227): VQEVEREDAD[Asn4217Asp]SSFLGKIYQI